The following is an entry in ClinVar:

NM_007294.4(BRCA1):c.5074+3A>G

Gene: BRCA1 (BRCA1 DNA repair associated; minus strand). Cytogenetic location: 17q21.31.
Variant type: single nucleotide variant.
Coding change: c.5074+3A>G on transcript NM_007294.4 (MANE Select); 3 bases into the intron after coding-DNA position 5074, A replaced by G.
Molecular consequence: intron variant.
Genome position (GRCh38, 1-based): chr17:43,067,605, T>C on the plus strand (A>G on the coding strand, the complement: BRCA1 is on the minus strand). VCF-style: chr17-43067605-T-C. GRCh37 (hg19) VCF-style: chr17-41219622-T-C.
Other names: IVS17+3A>G; c.1759+3A>G (NM_001408392.1, NM_001408397.1, NM_001408401.1 and 8 more transcripts); c.1762+3A>G (NM_001407986.1, NM_001407979.1, NM_001407982.1 and 12 more transcripts); c.1828+3A>G (NM_001407972.1); c.5068+3A>G (NM_001407630.1, NM_001407633.1, NM_001407642.1 and 14 more transcripts); c.5071+3A>G (NM_001407615.1, NM_001407625.1, NM_001407619.1 and 17 more transcripts); c.5134+3A>G (NM_001407591.1, NM_001407590.1); c.1639+3A>G (NM_001408441.1, NM_001408437.1, NM_001408442.1 and 10 more transcripts); and 72 more.
Identifiers: ClinVar variation 55375 (VCV000055375.34), dbSNP rs80358181, ClinGen allele CA003197.

ClinVar aggregate classification (germline): Pathogenic/Likely pathogenic. Review status: criteria provided, multiple submitters, no conflicts (2 of 4 stars). 15 submissions from 15 submitters: Pathogenic (2); Likely pathogenic (7). 6 of the submissions do not count toward it. Last evaluated 2026-08-14.

Conditions:
Breast and/or ovarian cancer. Identifiers: MedGen CN221562.
Hereditary cancer-predisposing syndrome. Also called: Neoplastic Syndromes, Hereditary; Tumor predisposition; Hereditary Cancer Syndrome; Hereditary neoplastic syndrome. Identifiers: Orphanet 140162, MedGen C0027672, MeSH D009386, MONDO:0015356.
Hereditary breast ovarian cancer syndrome. Also called: Hereditary breast and/or ovarian cancer syndrome; Hereditary breast and ovarian cancer syndrome; Hereditary breast and ovarian cancer; Hereditary breast and ovarian cancer syndrome (HBOC); Breast and ovarian cancer; BRCA1- and BRCA2-Associated Hereditary Breast and Ovarian Cancer. Identifiers: Orphanet 145, MedGen C0677776, MeSH D061325, MONDO:0003582. Disease mechanism: loss of function.
Breast-ovarian cancer, familial, susceptibility to, 1 (BROVCA1). Also called: OVARIAN CANCER, SUSCEPTIBILITY TO; BRCA1 Hereditary Breast and Ovarian Cancer. Identifiers: Orphanet 145, MedGen C2676676, MONDO:0011450, OMIM 604370. Disease mechanism: loss of function.

Allele frequency attached by ClinVar (database versions not stated): gnomAD exomes below 0.00001.
gnomAD v4.1: 2 of 1,603,438 alleles (0.00012%); highest among the groups gnomAD compares: Non-Finnish European, 0.00017%; no homozygotes.

Submissions 1 to 10 of 16:

Ambry Genetics
Classification: Likely pathogenic for Hereditary cancer-predisposing syndrome. Last evaluated: 2026-08-14. Review status: criteria provided, single submitter. Criteria: Ambry Variant Classification Scheme 2023. Collection method: clinical testing. Allele origin: germline.
Comment: The c.5074+3A>G intronic variant results from an A to G substitution 3 nucleotides after coding exon 15 in the BRCA1 gene. This alteration has been identified in multiple individuals diagnosed with breast and/or ovarian cancer (Bernstein-Molho R et al. Breast Cancer Res Treat, 2019 Nov;178:231-237; Abdel-Razeq H et al. J Oncol, 2020 Jul;2020:8362179; Abdel-Razeq H et al. Mol Genet Genomic Med, 2023 Apr;11:e2125). One functional study found that this nucleotide substitution is deleterious in a high throughput genome editing haploid cell survival assay (Findlay GM et al. Nature, 2018 10;562:217-222). This alteration has been shown to result in aberrant splicing that is subject to nonsense-mediated decay (Men&eacute;ndez M et al. Breast Cancer Res Treat, 2012 Apr;132:979-92; Ambry internal data). Of note, this alteration is also know as IVS17+3G>A in published literature. This nucleotide position is highly conserved in available vertebrate species. In silico splice site analysis predicts that this alteration will weaken the native splice donor site. Based on the majority of available evidence to date, this variant is likely to be pathogenic.

Labcorp Genetics (formerly Invitae), Labcorp
Classification: Likely pathogenic for Hereditary breast ovarian cancer syndrome. Last evaluated: 2024-08-13. Review status: criteria provided, single submitter. Criteria: Invitae Variant Classification Sherloc (09022015). Collection method: clinical testing. Allele origin: germline.
Comment: This sequence change falls in intron 16 of the BRCA1 gene. It does not directly change the encoded amino acid sequence of the BRCA1 protein. RNA analysis indicates that this variant induces altered splicing and may result in an absent or altered protein product. This variant is not present in population databases (gnomAD no frequency). This variant has been observed in individual(s) with breast cancer and/or ovarian cancer (PMID: 21735045, 24249303, 29409476, 31368036, 32091409, 32733560, 34290354, 34326862, 36537080). This variant is also known as IVS17+3A>G . ClinVar contains an entry for this variant (Variation ID: 55375). Algorithms developed to predict the effect of variants on gene product structure and function are not available or were not evaluated for this variant. Experimental studies have shown that this variant affects BRCA1 function (PMID: 30209399). Variants that disrupt the consensus splice site are a relatively common cause of aberrant splicing (PMID: 17576681, 9536098). Studies have shown that this variant results in skipping of exon 17 and insertion of 153 bp of intron 17, and produces a non-functional protein and/or introduces a premature termination codon (PMID: 21735045). In summary, the currently available evidence indicates that the variant is pathogenic, but additional data are needed to prove that conclusively. Therefore, this variant has been classified as Likely Pathogenic.

Clinical Genetics Laboratory, Skane University Hospital Lund
Classification: Pathogenic. Last evaluated: 2024-03-13. Review status: criteria provided, single submitter. Criteria: ACMG Guidelines, 2015. Collection method: clinical testing. Allele origin: germline. Affected: yes.

Quest Diagnostics Nichols Institute San Juan Capistrano
Classification: Likely pathogenic. Last evaluated: 2023-11-13. Review status: criteria provided, single submitter. Criteria: Quest Diagnostics criteria. Collection method: clinical testing. Allele origin: unknown.
Comment: The BRCA1 c.5074+3A>G variant has been reported in the published literature in individuals and families with breast and/or ovarian cancer (PMIDs: 36537080 (2023), 34290354 (2021), 32733560 (2020), 32091409 (2020), 31368036 (2019), 29409476 (2018), 29176636 (2018), 24249303 (2015)). Additionally, the variant is noted to result in the skipping of exon 17 and introduces a premature termination codon (PMID: 21735045 (2012)). A saturation genome editing study reports this variant leads to loss of functional protein (PMID: 30209399 (2018)). This variant has not been reported in large, multi-ethnic general populations (Genome Aggregation Database). Analysis of this variant using software algorithms for the prediction of the effect of nucleotide changes on splicing yielded predictions that this variant may affect proper BRCA1 mRNA splicing. Based on the available information, this variant is classified as likely pathogenic.

Color Diagnostics, LLC DBA Color Health
Classification: Likely pathogenic for Hereditary cancer-predisposing syndrome. Last evaluated: 2023-04-24. Review status: criteria provided, single submitter. Criteria: ACMG Guidelines, 2015. Collection method: clinical testing. Allele origin: germline.
Comment: This variant causes an A to G nucleotide substitution at the +3 position of intron 16 of the BRCA1 gene. An RNA study has shown that this variant causes out-of-frame splicing that is expected to result in an absent or disrupted protein product (PMID: 21735045). A functional study has reported that this variant impacts BRCA1 function in a haploid cell proliferation assay (PMID: 30209399). This variant has been reported in over 10 individuals and families affected with breast and/or ovarian cancer (PMID: 21735045, 24249303, 28486781, 29409476, 31368036, 32091409). This variant was reported to segregate with breast cancer in a mother and daughter pair (PMID: 21735045), and a multifactorial analysis has reported a likelihood ratio for pathogenicity based on co-segregation of 1.7629 (PMID: 31131967). This variant has not been identified in the general population by the Genome Aggregation Database (gnomAD). Based on the available evidence, this variant is classified as Likely Pathogenic.

Baylor Genetics
Classification: Likely pathogenic for Breast-ovarian cancer, familial, susceptibility to, 1. Last evaluated: 2022-08-15. Review status: criteria provided, single submitter. Criteria: ACMG Guidelines, 2015. Collection method: clinical testing. Allele origin: unknown.

GeneDx
Classification: Likely pathogenic. Last evaluated: 2022-04-25. Review status: criteria provided, single submitter. Criteria: GeneDx Variant Classification Process June 2021. Collection method: clinical testing. Allele origin: germline. Affected: yes.
Comment: Non-canonical splice site variant demonstrated to cause aberrant splicing, resulting in skipping of exon 16 or insertion of partial intron 16, both of which are predicted to cause loss of normal protein function through either protein truncation or nonsense-mediated mRNA decay (Menendez 2012); Observed in individuals with breast and/or ovarian cancer (Menendez 2012, Nakamura 2015, Abdel-Razeq 2018, Arai 2018, Chen 2020); Not observed at significant frequency in large population cohorts (gnomAD); Also known as 5193+3A>G and IVS17+3A>G; This variant is associated with the following publications: (PMID: 29409476, 21735045, 24249303, 29659587, 30209399, 31131967, 32295079, 32091409, 29176636)

Genome Diagnostics Laboratory, University Medical Center Utrecht
Classification: Pathogenic for Breast-ovarian cancer, familial, susceptibility to, 1. Last evaluated: 2014-10-08. Review status: criteria provided, single submitter. Criteria: ACGS Guidelines, 2013. Collection method: clinical testing. Allele origin: germline. Affected: yes. Study: VKGL Data-share Consensus.

Juno Genomics, Hangzhou Juno Genomics, Inc
Classification: Likely pathogenic for Breast-ovarian cancer, familial, susceptibility to, 1. Review status: criteria provided, single submitter. Criteria: ACMG Guidelines, 2015. Collection method: clinical testing. Allele origin: germline.
Comment: Null variant in a gene where loss of function (LOF) is a known mechanism of disease.

KCCC/NGS Laboratory, Kuwait Cancer Control Center
Classification: Likely pathogenic for Breast-ovarian cancer, familial, susceptibility to, 1. Last evaluated: 2023-08-29. Review status: no assertion criteria provided. Collection method: clinical testing. Allele origin: germline. Inheritance: Autosomal dominant inheritance. Affected: yes. Not counted in ClinVar's aggregate classification.
Comment: A point mutation in the BRCA1 gene (c.5137+3A>G. This sequence change falls in intron 16 of the BRCA1 gene. It does not directly change the encoded amino acid sequence of the BRCA1 protein. RNA analysis indicates that this variant induces altered splicing and may result in an absent or disrupted protein product.this variant has been classified as Likely Pathogenic. Further genetic testing might be considered if clinically indicated.